The following is an entry in ClinVar:

ClinVar aggregate classification (germline): Likely pathogenic (1 of 4 stars; one submission).

Conditions:
Hereditary breast ovarian cancer syndrome. Also called: Hereditary breast and/or ovarian cancer syndrome; BRCA1- and BRCA2-Associated Hereditary Breast and Ovarian Cancer; Breast and ovarian cancer; Hereditary breast and ovarian cancer; Hereditary breast and ovarian cancer syndrome; Hereditary breast and ovarian cancer syndrome (HBOC). Identifiers: Orphanet 145, MedGen C0677776, MeSH D061325, MONDO:0003582. Disease mechanism: loss of function.

Submission:

Women's Health and Genetics/Laboratory Corporation of America, LabCorp
Classification: Likely pathogenic for Hereditary breast ovarian cancer syndrome. Last evaluated: 2017-02-23. Review status: criteria provided, single submitter. Criteria: LabCorp Variant Classification Summary - May 2015. Collection method: clinical testing. Allele origin: germline.
Comment: Variant summary: The BRCA2 c.1648G>T (p.Glu550X) variant results in a premature termination codon, predicted to cause a truncated or absent BRCA2 protein due to nonsense mediated decay, which are commonly known mechanisms for disease. Truncations downstream of this position have been classified as pathogenic by our laboratory (c.1654delT/p.Glu550X, c.1670T>G/p.Leu557X, c.1755_1759delGAAAA/p.Lys585fsX3, et al). One in silico tool predicts a damaging outcome for this variant. This variant is absent in 121,012 control chromosomes. The variant of interest has not, to our knowledge, been reported in affected individuals via publications and/or reputable databases/clinical diagnostic laboratories; nor evaluated for functional impact by in vivo/vitro studies. Taken together, this variant is classified as likely pathogenic.

NM_000059.4(BRCA2):c.1648G>T (p.Glu550Ter)

Gene: BRCA2 (BRCA2 DNA repair associated; plus strand). Cytogenetic location: 13q13.1.
Variant type: single nucleotide variant.
Coding change: c.1648G>T on transcript NM_000059.4 (MANE Select); coding-DNA position 1648, G replaced by T.
Protein change: p.Glu550Ter; replaces glutamic acid 550 with a stop codon.
Molecular consequence: nonsense.
Genome position (GRCh38, 1-based): chr13:32,333,126, G>T. VCF-style: chr13-32333126-G-T. GRCh37 (hg19) VCF-style: chr13-32907263-G-T.
Other names: short protein forms E550*.
Identifiers: ClinVar variation 495433 (VCV000495433.1), dbSNP rs1555281999, ClinGen allele CA387764993.